The following is an entry in ClinVar:

ClinVar aggregate classification (germline): Uncertain significance. Review status: criteria provided, multiple submitters, no conflicts (2 of 4 stars). 5 submissions from 5 submitters: Uncertain significance (4). 1 of the submissions does not count toward it. Last evaluated 2026-01-11.

Conditions:
Tuberous sclerosis syndrome (TSC). Also called: Tuberous Sclerosis Complex; Tuberous sclerosis. Identifiers: Orphanet 805, MedGen C0041341, MONDO:0001734.
Hereditary cancer-predisposing syndrome. Also called: Hereditary Cancer Syndrome; Neoplastic Syndromes, Hereditary; Tumor predisposition; Hereditary neoplastic syndrome. Identifiers: Orphanet 140162, MedGen C0027672, MeSH D009386, MONDO:0015356.
Tuberous sclerosis 2 (TSC2). Identifiers: Orphanet 805, MedGen C1860707, MONDO:0013199, OMIM 613254.

Submissions (5):

Labcorp Genetics (formerly Invitae), Labcorp
Classification: Uncertain significance for Tuberous sclerosis 2. Last evaluated: 2026-01-11. Review status: criteria provided, single submitter. Criteria: Invitae Variant Classification Sherloc (09022015). Collection method: clinical testing. Allele origin: germline.
Comment: This variant, c.4008_4010del, results in the deletion of 1 amino acid(s) of the TSC2 protein (p.Ser1338del), but otherwise preserves the integrity of the reading frame. This variant is not present in population databases (gnomAD no frequency). This variant has not been reported in the literature in individuals affected with TSC2-related conditions. ClinVar contains an entry for this variant (Variation ID: 592055). Experimental studies and prediction algorithms are not available or were not evaluated, and the functional significance of this variant is currently unknown. Algorithms developed to predict the effect of sequence changes on RNA splicing suggest that this variant may disrupt the consensus splice site. In summary, the available evidence is currently insufficient to determine the role of this variant in disease. Therefore, it has been classified as a Variant of Uncertain Significance.

CeGaT Center for Human Genetics Tuebingen
Classification: Uncertain significance. Last evaluated: 2024-06-01. Review status: criteria provided, single submitter. Criteria: CeGaT Center For Human Genetics Tuebingen Variant Classification Criteria Version 2. Collection method: clinical testing. Allele origin: germline. Affected: yes. Observed: 1 variant allele.
Comment: TSC2: PM2

All of Us Research Program, National Institutes of Health
Classification: Uncertain significance for Tuberous sclerosis syndrome. Last evaluated: 2023-11-20. Review status: criteria provided, single submitter. Criteria: ACMG Guidelines, 2015. Collection method: clinical testing. Allele origin: germline. Inheritance: Autosomal dominant inheritance. Observed: 1 variant allele, 1 heterozygote.
Comment: This variant causes an in-frame deletion of one amino acid in exon 34 of the TSC2 protein. To our knowledge, functional studies have not been reported for this variant. This variant has not been reported in individuals affected with hereditary cancer in the literature. This variant has not been identified in the general population by the Genome Aggregation Database (gnomAD). The available evidence is insufficient to determine the role of this variant in disease conclusively. Therefore, this variant is classified as a Variant of Uncertain Significance.

This study involves interpretation of variants in research participants for the purpose of population health screening. Participant phenotype was not available at the time of variant classification. Additional details can be found in publication PMID: 35346344, PMCID: PMC8962531

Ambry Genetics
Classification: Uncertain significance for Hereditary cancer-predisposing syndrome. Last evaluated: 2022-01-06. Review status: criteria provided, single submitter. Criteria: Ambry General Variant Classification Scheme_2022. Collection method: clinical testing. Allele origin: germline. Observed: 1 variant allele.
Comment: The c.4008_4010delGTC variant (also known as p.S1338del) is located in coding exon 33 of the TSC2 gene. This variant results from an in-frame GTC deletion at nucleotide positions 4008 to 4010. This results in the in-frame deletion of a serine at codon 1338. This amino acid position is highly conserved in available vertebrate species. In addition, the in silico prediction for this alteration is inconclusive (Choi Y et al. PLoS ONE. 2012; 7(10):e46688). Since supporting evidence is limited at this time, the clinical significance of this alteration remains unclear.

Gharavi Laboratory, Columbia University
Classification: Uncertain significance. Last evaluated: 2018-09-16. Review status: no assertion criteria provided. Criteria: ACMG Guidelines, 2015. Collection method: research. Allele origin: germline. Affected: yes. Not counted in ClinVar's aggregate classification.

NM_000548.5(TSC2):c.4008_4010del (p.Ser1338del)

Gene: TSC2 (TSC complex subunit 2; plus strand). Cytogenetic location: 16p13.3.
Variant type: Microsatellite.
Coding change: c.4008_4010del on transcript NM_000548.5 (MANE Select); coding-DNA positions 4008 to 4010, 3 bases deleted (GTC; older notation c.4008_4010delGTC).
Protein change: p.Ser1338del; deletes serine 1338.
Molecular consequence: splice acceptor variant.
Genome position (GRCh38, 1-based): chr16:2,084,230-2,084,232, GTC deleted; deleting any 3 consecutive bases within chr16:2,084,227-2,084,232 gives the same sequence; the c. name uses the placement nearest the transcript's 3' end. VCF-style (leftmost placement, unchanged base first): chr16-2084226-AGTC-A. GRCh37 (hg19) VCF-style: chr16-2134227-AGTC-A.
Other names: c.4008_4010delGTC (NM_000548.3).
Identifiers: ClinVar variation 592055 (VCV000592055.29), dbSNP rs1567520255, ClinGen allele CA891863015.